The following is an entry in ClinVar:

NM_152743.4(BRAT1):c.361A>C (p.Ser121Arg)

Gene: BRAT1 (BRCA1 associated ATM activator 1; minus strand). Cytogenetic location: 7p22.3.
Variant type: single nucleotide variant.
Coding change: c.361A>C on transcript NM_152743.4 (MANE Select); coding-DNA position 361, A replaced by C.
Protein change: p.Ser121Arg; replaces serine 121 with arginine.
Molecular consequence: missense variant. On other transcripts: non-coding transcript variant (1), intron variant (1).
Genome position (GRCh38, 1-based): chr7:2,544,978, T>G on the plus strand (A>C on the coding strand, the complement: BRAT1 is on the minus strand). VCF-style: chr7-2544978-T-G. GRCh37 (hg19) VCF-style: chr7-2584612-T-G.
Other names: c.361A>C, p.Ser121Arg (NM_001350626.2); c.-95-1016A>C (NM_001350627.2); short protein forms S121R.
Identifiers: ClinVar variation 472967 (VCV000472967.18), dbSNP rs138585448, ClinGen allele CA4128227.
Genomic context (GRCh38, chr7:2,544,978, plus strand): 5'-CCAGGAAGCGCAGGGCGCTGGGGTGCTGTGCCAGGGAGCGCAGGCCCTGGATCCAGCCGC[T>G]GCGCACGGTGGGGACGGCCCAGGTTGCTCGGCCGAGGGGTCCTGGCTCCCCAAAGAGCCC-3'
Protein context (NP_689956.2, residues 111-131): RATWAVPTVR[Ser121Arg]GWIQGLRSLA

ClinVar aggregate classification (germline): Likely benign. Review status: criteria provided, multiple submitters, no conflicts (2 of 4 stars). 4 submissions from 4 submitters: Likely benign (3). 1 of the submissions does not count toward it. Last evaluated 2026-01-21.

Conditions:
BRAT1-related disorder. Also called: BRAT1-related condition; BRAT1-related disorders.
Neonatal-onset encephalopathy with rigidity and seizures. Also called: Lethal neonatal spasticity-epileptic encephalopathy syndrome. Identifiers: Orphanet 435845, MedGen C3281029, MONDO:0013784, OMIM 614498.

Allele frequency attached by ClinVar (database versions not stated): gnomAD exomes 0.00008 and 0.00021; ExAC 0.00066; 1000 Genomes Project 30x 0.00078; 1000 Genomes Project 0.00080; gnomAD 0.00086 and 0.00091; ESP Exome Variant Server 0.00093; TOPMed 0.00093.

Submissions (4):

Labcorp Genetics (formerly Invitae), Labcorp
Classification: Likely benign for Neonatal-onset encephalopathy with rigidity and seizures. Last evaluated: 2026-01-21. Review status: criteria provided, single submitter. Criteria: Invitae Variant Classification Sherloc (09022015). Collection method: clinical testing. Allele origin: germline.

Women's Health and Genetics/Laboratory Corporation of America, LabCorp
Classification: Likely benign. Last evaluated: 2025-09-05. Review status: criteria provided, single submitter. Criteria: LabCorp Variant Classification Summary - May 2015. Collection method: clinical testing. Allele origin: germline.
Comment: Variant summary: BRAT1 c.361A>C (p.Ser121Arg) results in a non-conservative amino acid change in the encoded protein sequence. Algorithms developed to predict the effect of missense changes on protein structure and function all suggest that this variant is likely to be disruptive. The variant allele was found at a frequency of 0.00021 in 180178 control chromosomes, predominantly at a frequency of 0.0028 within the African or African-American subpopulation in the gnomAD database. The observed variant frequency within African or African-American control individuals in the gnomAD database exceeds the estimated maximal expected allele frequency for disease-causing variants in BRAT1. To our knowledge, no occurrence of c.361A>C in individuals affected with BRAT1-related conditions and no experimental evidence demonstrating its impact on protein function have been reported. ClinVar contains an entry for this variant (Variation ID: 472967). Based on the evidence outlined above, the variant was classified as likely benign.

GeneDx
Classification: Likely benign. Last evaluated: 2020-12-29. Review status: criteria provided, single submitter. Criteria: GeneDx Variant Classification Process June 2021. Collection method: clinical testing. Allele origin: germline. Affected: yes.

PreventionGenetics, part of Exact Sciences
Classification: Likely benign for BRAT1-related condition. Last evaluated: 2022-07-13. Review status: no assertion criteria provided. Collection method: clinical testing. Allele origin: germline. Not counted in ClinVar's aggregate classification.
Comment: This variant is classified as likely benign based on ACMG/AMP sequence variant interpretation guidelines (Richards et al. 2015 PMID: 25741868, with internal and published modifications).